The following is an entry in ClinVar:

ClinVar aggregate classification (germline): Likely pathogenic (1 of 4 stars; one submission).

Submission:

GeneDx
Classification: Likely pathogenic. Last evaluated: 2026-04-18. Review status: criteria provided, single submitter. Criteria: GeneDx Variant Classification Process June 2021. Collection method: clinical testing. Allele origin: germline.
Comment: Canonical splice site variant predicted to result in an in-frame loss of the adjacent exon in a gene for which loss of function is a known mechanism of disease; Not observed at significant frequency in large population cohorts (gnomAD); Has not been previously published as pathogenic or benign to our knowledge

NM_001792.5(CDH2):c.1344+2T>C

Gene: CDH2 (cadherin 2; minus strand). Cytogenetic location: 18q12.1.
Variant type: single nucleotide variant.
Coding change: c.1344+2T>C on transcript NM_001792.5 (MANE Select); the canonical splice donor site of the intron after coding-DNA position 1344, T replaced by C.
Molecular consequence: splice donor variant.
Genome position (GRCh38, 1-based): chr18:27,992,653, A>G on the plus strand (T>C on the coding strand, the complement: CDH2 is on the minus strand). VCF-style: chr18-27992653-A-G. GRCh37 (hg19) VCF-style: chr18-25572617-A-G.
Other names: c.1251+2T>C (NM_001308176.2).
Identifiers: ClinVar variation 5036894 (VCV005036894.1).
Genomic context (GRCh38, chr18:27,992,653, plus strand): 5'-GGACATATATTGGTCCTTGCTGAGCAGCTGTTGGAGAGATCAGTGGCCCGAGGAACACTT[A>G]CTTTGACCACGGTGACTAACCCGTCGTTGCTGTTTGGGTCGGTCTGGATGGCGAACCGTC-3'